The following is an entry in ClinVar:

ClinVar aggregate classification (germline): Uncertain significance (1 of 4 stars; one submission).

Submission:

Labcorp Genetics (formerly Invitae), Labcorp
Classification: Uncertain significance. Last evaluated: 2022-06-02. Review status: criteria provided, single submitter. Criteria: Invitae Variant Classification Sherloc (09022015). Collection method: clinical testing. Allele origin: germline.
Comment: In summary, the available evidence is currently insufficient to determine the role of this variant in disease. Therefore, it has been classified as a Variant of Uncertain Significance. Algorithms developed to predict the effect of sequence changes on RNA splicing suggest that this variant may disrupt the consensus splice site. Experimental studies and prediction algorithms are not available or were not evaluated, and the functional significance of this variant is currently unknown. This variant has not been reported in the literature in individuals affected with YARS2-related conditions. This variant is not present in population databases (gnomAD no frequency). This variant, c.777_779del, results in the deletion of 1 amino acid(s) of the YARS2 protein (p.Asn259del), but otherwise preserves the integrity of the reading frame.

NM_001040436.3(YARS2):c.774CAA[1] (p.Asn259del)

Gene: YARS2 (tyrosyl-tRNA synthetase 2; minus strand). Cytogenetic location: 12p11.21.
Variant type: Microsatellite.
Coding change: c.774CAA[1] on transcript NM_001040436.3 (MANE Select); one copy of the 3-base unit CAA starting at c.774; the reference has two copies in a row; one copy, 3 bases deleted.
Protein change: p.Asn259del; deletes asparagine 259.
Molecular consequence: inframe deletion.
Genome position (GRCh38, 1-based): chr12:32,755,096-32,755,098, TTG deleted on the plus strand (CAA on the coding strand, the reverse complement: YARS2 is on the minus strand); deleting any 3 consecutive bases within chr12:32,755,096-32,755,101 gives the same sequence; the position shown is the placement nearest the transcript's 3' end. VCF-style (leftmost placement, unchanged base first): chr12-32755095-CTTG-C. GRCh37 (hg19) VCF-style: chr12-32908029-CTTG-C.
Other names: short protein forms N259del.
Identifiers: ClinVar variation 2001976 (VCV002001976.4), dbSNP rs2541162922, ClinGen allele CA2580615154.